The following is an entry in ClinVar:

ClinVar aggregate classification (germline): Uncertain significance (1 of 4 stars; one submission).

Submission:

GeneDx
Classification: Uncertain significance. Last evaluated: 2025-03-17. Review status: criteria provided, single submitter. Criteria: GeneDx Variant Classification Process June 2021. Collection method: clinical testing. Allele origin: germline. Affected: yes.
Comment: Not observed at significant frequency in large population cohorts (gnomAD); In silico analysis supports that this missense variant has a deleterious effect on protein structure/function; Has not been previously published as pathogenic or benign to our knowledge

NM_015215.4(CAMTA1):c.2657G>C (p.Gly886Ala)

Gene: CAMTA1 (calmodulin binding transcription activator 1; plus strand). Cytogenetic location: 1p36.23.
Variant type: single nucleotide variant.
Coding change: c.2657G>C on transcript NM_015215.4 (MANE Select); coding-DNA position 2657, G replaced by C.
Protein change: p.Gly886Ala; replaces glycine 886 with alanine.
Molecular consequence: missense variant. On other transcripts: 5 prime UTR variant (6).
Genome position (GRCh38, 1-based): chr1:7,670,915, G>C. VCF-style: chr1-7670915-G-C. GRCh37 (hg19) VCF-style: chr1-7730975-G-C.
Other names: c.2567G>C, p.Gly856Ala (NM_001349608.2, NM_001349612.2); c.2657G>C, p.Gly886Ala (NM_001349609.2, NM_001349610.2, NM_001410737.1); c.-272G>C (NM_001349614.1, NM_001349617.1, NM_001349620.1 and 3 more transcripts); c.2585G>C, p.Gly862Ala (NM_001410738.1); short protein forms G856A, G862A, G886A.
Identifiers: ClinVar variation 4086630 (VCV004086630.1).